The following is an entry in ClinVar:

NM_000091.5(COL4A3):c.2861A>G (p.Lys954Arg)

Genes: COL4A3 (collagen type IV alpha 3 chain; plus strand), MFF-DT (MFF divergent transcript; minus strand). Cytogenetic location: 2q36.3.
Variant type: single nucleotide variant.
Coding change: c.2861A>G on transcript NM_000091.5 (MANE Select); coding-DNA position 2861, A replaced by G.
Protein change: p.Lys954Arg; replaces lysine 954 with arginine.
Molecular consequence: missense variant.
Genome position (GRCh38, 1-based): chr2:227,284,325, A>G. VCF-style: chr2-227284325-A-G. GRCh37 (hg19) VCF-style: chr2-228149041-A-G.
Other names: short protein forms K954R.
Identifiers: ClinVar variation 3634130 (VCV003634130.2).
Genomic context (GRCh38, chr2:227,284,325, plus strand): 5'-GGGAACAAGGAGATAAAGGAAATCCCGGGCCTTCAGAGATATCCCACGTAATAGGGGACA[A>G]AGGAGAACCAGGTCTCAAAGGTAAAGAATTGCTTGTTTGGAATCAGGACATCAGAGCTGA-3'
Protein context (NP_000082.2, residues 944-964): PSEISHVIGD[Lys954Arg]GEPGLKGFAG

ClinVar aggregate classification (germline): Uncertain significance (1 of 4 stars; one submission).

gnomAD v4.1: 2 of 1,613,984 alleles (0.00012%); highest among the groups gnomAD compares: Non-Finnish European, 0.00017%; no homozygotes.

Submission:

Labcorp Genetics (formerly Invitae), Labcorp
Classification: Uncertain significance. Last evaluated: 2024-11-30. Review status: criteria provided, single submitter. Criteria: Invitae Variant Classification Sherloc (09022015). Collection method: clinical testing. Allele origin: germline.
Comment: This sequence change replaces lysine, which is basic and polar, with arginine, which is basic and polar, at codon 954 of the COL4A3 protein (p.Lys954Arg). This variant is not present in population databases (gnomAD no frequency). This variant has not been reported in the literature in individuals affected with COL4A3-related conditions. Invitae Evidence Modeling of protein sequence and biophysical properties (such as structural, functional, and spatial information, amino acid conservation, physicochemical variation, residue mobility, and thermodynamic stability) has been performed for this missense variant. However, the output from this modeling did not meet the statistical confidence thresholds required to predict the impact of this variant on COL4A3 protein function. In summary, the available evidence is currently insufficient to determine the role of this variant in disease. Therefore, it has been classified as a Variant of Uncertain Significance.